The following is an entry in ClinVar:

ClinVar aggregate classification (germline): Uncertain significance (1 of 4 stars; one submission).

gnomAD v4.1: 1 of 1,614,126 alleles (0.000062%); highest among the groups gnomAD compares: Admixed American, 0.0017%; no homozygotes.

Submission:

Labcorp Genetics (formerly Invitae), Labcorp
Classification: Uncertain significance. Last evaluated: 2025-11-25. Review status: criteria provided, single submitter. Criteria: Invitae Variant Classification Sherloc (09022015). Collection method: clinical testing. Allele origin: germline.
Comment: This sequence change replaces arginine, which is basic and polar, with glutamine, which is neutral and polar, at codon 13 of the HYOU1 protein (p.Arg13Gln). This variant is present in population databases (no rsID available, gnomAD 0.003%). This variant has not been reported in the literature in individuals affected with HYOU1-related conditions. An algorithm developed to predict the effect of missense changes on protein structure and function (PolyPhen-2) suggests that this variant is likely to be tolerated. In summary, the available evidence is currently insufficient to determine the role of this variant in disease. Therefore, it has been classified as a Variant of Uncertain Significance.

NM_006389.5(HYOU1):c.38G>A (p.Arg13Gln)

Gene: HYOU1 (hypoxia up-regulated 1; minus strand). Cytogenetic location: 11q23.3.
Variant type: single nucleotide variant.
Coding change: c.38G>A on transcript NM_006389.5 (MANE Select); coding-DNA position 38, G replaced by A.
Protein change: p.Arg13Gln; replaces arginine 13 with glutamine.
Molecular consequence: missense variant.
Genome position (GRCh38, 1-based): chr11:119,056,123, C>T on the plus strand (G>A on the coding strand, the complement: HYOU1 is on the minus strand). VCF-style: chr11-119056123-C-T.
Other names: c.38G>A, p.Arg13Gln (NM_001130991.3, NM_001411041.1); short protein forms R13Q.
Identifiers: ClinVar variation 4809802 (VCV004809802.1).
Genomic context (GRCh38, chr11:119,056,123, plus strand): 5'-TACATACCACTCAGTGCCAACAGGTCTGCCAAGAGCACAGCCACCAAGGCCCAACAGACT[C>T]GCCTCCTCGGCCTCTGCCTCCTAACTTTGTCTGCCATAGTGCCCCTGGGGGAGGCGAAGA-3'
Protein context (NP_006380.1, residues 3-23): DKVRRQRPRR[Arg13Gln]VCWALVAVLL